The following is an entry in ClinVar:

ClinVar aggregate classification (germline): Pathogenic (1 of 4 stars; one submission).

Submission:

Labcorp Genetics (formerly Invitae), Labcorp
Classification: Pathogenic. Last evaluated: 2019-06-10. Review status: criteria provided, single submitter. Criteria: Invitae Variant Classification Sherloc (09022015). Collection method: clinical testing. Allele origin: germline.
Comment: This sequence change is an Alu-mediated insertion in exon 22 of the PHEX mRNA (c.2193_2194insAlu), causing a frameshift at codon 731 (p.Phe731fs). The exact size and sequence of the insertion cannot be determined by the current assay. While this is not anticipated to result in nonsense mediated decay, it is expected to disrupt the last 19 amino acids of the PHEX protein. This variant is not present in population databases (ExAC no frequency). Algorithms developed to predict the effect of sequence changes on RNA splicing suggest that this variant may create or strengthen a splice site, but this prediction has not been confirmed by published transcriptional studies. This variant disrupts the C-terminus of the PHEX protein. Other variant(s) that disrupt this region (p.Arg747*) have been determined to be pathogenic (PMID: 9199930, 9768674). This suggests that variants that disrupt this region of the protein are likely to be causative of disease. For these reasons, this variant has been classified as Pathogenic.

Literature cited by the submitters: PubMed 9768674; PubMed 9199930.

NM_000444.5:c.2193_2194insAlu

Gene: PHEX (phosphate regulating endopeptidase X-linked; plus strand). Cytogenetic location: Xp22.11.
Variant type: Insertion.
Identifiers: ClinVar variation 870256 (VCV000870256.1).